The following is an entry in ClinVar:

ClinVar aggregate classification (germline): Uncertain significance (1 of 4 stars; one submission).

Conditions:
Frontotemporal dementia (FTD1). Also called: FRONTOTEMPORAL DEMENTIA WITH PARKINSONISM; FRONTOTEMPORAL LOBE DEMENTIA; MULTIPLE SYSTEM TAUOPATHY WITH PRESENILE DEMENTIA; Dementia, frontotemporal, with or without parkinsonism; Frontotemporal Dementia with Parkinsonism-17 (FTDP-17); WILHELMSEN-LYNCH DISEASE. Identifiers: Orphanet 282, MedGen C0338451, MONDO:0017276, OMIM 600274, HP:0002145.

gnomAD v4.1: 13 of 1,602,130 alleles (0.00081%); highest among the groups gnomAD compares: African/African-American, 0.017%; no homozygotes.

Submission:

Labcorp Genetics (formerly Invitae), Labcorp
Classification: Uncertain significance for Frontotemporal dementia. Last evaluated: 2025-08-09. Review status: criteria provided, single submitter. Criteria: Invitae Variant Classification Sherloc (09022015). Collection method: clinical testing. Allele origin: germline.
Comment: This sequence change replaces threonine, which is neutral and polar, with arginine, which is basic and polar, at codon 102 of the MAPT protein (p.Thr102Arg). This variant is present in population databases (rs773359800, gnomAD 0.009%). This variant has not been reported in the literature in individuals affected with MAPT-related conditions. An algorithm developed to predict the effect of missense changes on protein structure and function (PolyPhen-2) suggests that this variant is likely to be tolerated. In summary, the available evidence is currently insufficient to determine the role of this variant in disease. Therefore, it has been classified as a Variant of Uncertain Significance.

NM_001377265.1(MAPT):c.220+2524C>G

Gene: MAPT (microtubule associated protein tau). Cytogenetic location: 17q21.31.
Variant type: single nucleotide variant.
Coding change: c.220+2524C>G on transcript NM_001377265.1 (MANE Select); 2524 bases into the intron after coding-DNA position 220, C replaced by G.
Molecular consequence: intron variant. On other transcripts: missense variant (4).
Genome position (GRCh38, 1-based): chr17:45,974,469, C>G. VCF-style: chr17-45974469-C-G. GRCh37 (hg19) VCF-style: chr17-44051835-C-G.
Other names: c.305C>G, p.Thr102Arg (NM_001123066.4, NM_001203252.2, NM_005910.6 and 1 more transcripts); c.134-3906C>G (NM_001377268.1, NM_016834.5, NM_016841.5); c.220+2524C>G (NM_001377266.1, NM_001123067.4, NM_001203251.2 and 1 more transcripts); short protein forms T102R.
Identifiers: ClinVar variation 4763816 (VCV004763816.1).